The following is an entry in ClinVar:

NM_001669.4(ARSD):c.719T>G (p.Phe240Cys)

Gene: ARSD (arylsulfatase D; minus strand). Cytogenetic location: Xp22.33.
Variant type: single nucleotide variant.
Coding change: c.719T>G on transcript NM_001669.4 (MANE Select); coding-DNA position 719, T replaced by G.
Protein change: p.Phe240Cys; replaces phenylalanine 240 with cysteine.
Molecular consequence: missense variant.
Genome position (GRCh38, 1-based): chrX:2,917,948, A>C on the plus strand (T>G on the coding strand, the complement: ARSD is on the minus strand). VCF-style: chrX-2917948-A-C. GRCh37 (hg19) VCF-style: chrX-2835989-A-C.
Other names: c.719T>G, p.Phe240Cys (NM_009589.5); short protein forms F240C.
Identifiers: ClinVar variation 3059264 (VCV003059264.2), dbSNP rs143238998, ClinGen allele CA10337700.
Genomic context (GRCh38, chrX:2,917,948, plus strand): 5'-CTCATCAGGATACAGTTCCAGCGTCGCACAAACCCGAAGGAGGAGTACCAAGAGATGAAA[A>C]ACAGGCAGCCCACGCCGGCCATGCCGGTGACTGCTCTCGCGGAGACAGAGAAGAAACCGC-3'
Protein context (NP_001660.2, residues 230-250): VTGMAGVGCL[Phe240Cys]FISWYSSFGF

ClinVar aggregate classification (germline): Likely benign (0 of 4 stars; one submission).

Conditions:
ARSD-related disorder. Also called: ARSD-related condition.

Allele frequency attached by ClinVar (database versions not stated): gnomAD 0.00001; ExAC 0.00105; 1000 Genomes Project 0.00371.

Submission:

PreventionGenetics, part of Exact Sciences
Classification: Likely benign for ARSD-related condition. Last evaluated: 2020-07-31. Review status: no assertion criteria provided. Collection method: clinical testing. Allele origin: germline.
Comment: This variant is classified as likely benign based on ACMG/AMP sequence variant interpretation guidelines (Richards et al. 2015 PMID: 25741868, with internal and published modifications).